The following is an entry in ClinVar:

NM_000393.5(COL5A2):c.369+1G>T

Gene: COL5A2 (collagen type V alpha 2 chain; minus strand). Cytogenetic location: 2q32.2.
Variant type: single nucleotide variant.
Coding change: c.369+1G>T on transcript NM_000393.5 (MANE Select); the canonical splice donor site of the intron after coding-DNA position 369, G replaced by T.
Molecular consequence: splice donor variant.
Genome position (GRCh38, 1-based): chr2:189,100,106, C>A on the plus strand (G>T on the coding strand, the complement: COL5A2 is on the minus strand). VCF-style: chr2-189100106-C-A. GRCh37 (hg19) VCF-style: chr2-189964832-C-A.
Identifiers: ClinVar variation 565322 (VCV000565322.9), dbSNP rs1559104199, ClinGen allele CA349864073.

ClinVar aggregate classification (germline): Likely pathogenic. Review status: criteria provided, multiple submitters, no conflicts (2 of 4 stars). 2 submissions from 2 submitters: Likely pathogenic (2). Last evaluated 2024-09-26.

Conditions:
Ehlers-Danlos syndrome, classic type, 1 (EDSCL1). Also called: Ehlers-Danlos Syndrome, Classic Type, COL5A1-Related; EDS I; Ehlers-Danlos syndrome, type 1; EHLERS-DANLOS SYNDROME, GRAVIS TYPE; EHLERS-DANLOS SYNDROME, SEVERE CLASSIC TYPE. Identifiers: MedGen C0268335, MONDO:0019567, OMIM 130000.
Ehlers-Danlos syndrome, classic type, 2 (EDSCL2). Also called: Ehlers-Danlos Syndrome, Classic Type, COL5A2-Related; Ehlers-Danlos syndrome, type 2; Ehlers-Danlos syndrome type 2 (formerly). Identifiers: Orphanet 287, Orphanet 90318, MedGen C0268336, MONDO:0019568, OMIM 130010.

Allele frequency attached by ClinVar (database versions not stated): gnomAD exomes below 0.00001.
gnomAD v4.1: 6 of 1,608,432 alleles (0.00037%); highest among the groups gnomAD compares: Non-Finnish European, 0.00051%; no homozygotes.

Submissions (2):

3billion
Classification: Likely pathogenic for Ehlers-Danlos syndrome, classic type, 2. Last evaluated: 2024-09-26. Review status: criteria provided, single submitter. Criteria: ACMG Guidelines, 2015. Collection method: clinical testing. Allele origin: germline. Affected: yes.
Comment: The variant is observed at an extremely low frequency in the gnomAD v4.0.0 dataset (total allele frequency: <0.001%). Predicted Consequence/Location: Canonical splice site: predicted to alter splicing and result in a loss or disruption of normal protein function. Multiple pathogenic loss-of-function variants are reported downstream of the variant. In silico tools predict the variant to alter splicing and produce an abnormal transcript [SpliceAI: 0.99 (spliceogenicity >=0.2, non-spliceogenicity <0.1)]. The variant has been reported to be associated with COL5A2 related disorder (ClinVar ID: VCV000565322). Therefore, this variant is classified as Likely pathogenic according to the recommendation of ACMG/AMP guideline.

Labcorp Genetics (formerly Invitae), Labcorp
Classification: Likely pathogenic for Ehlers-Danlos syndrome, classic type, 1. Last evaluated: 2018-03-14. Review status: criteria provided, single submitter. Criteria: Invitae Variant Classification Sherloc (09022015). Collection method: clinical testing. Allele origin: germline.
Comment: This sequence change affects a donor splice site in intron 4 of the COL5A2 gene. It is expected to disrupt RNA splicing and likely results in an absent or disrupted protein product. This variant is not present in population databases (ExAC no frequency). In summary, the currently available evidence indicates that the variant is pathogenic, but additional data are needed to prove that conclusively. Therefore, this variant has been classified as Likely Pathogenic. Donor and acceptor splice site variants typically lead to a loss of protein function (PMID: 16199547), and loss-of-function variants in COL5A2 are known to be pathogenic (PMID: 23587214). Algorithms developed to predict the effect of sequence changes on RNA splicing suggest that this variant may disrupt the consensus splice site, but this prediction has not been confirmed by published transcriptional studies. This variant has not been reported in the literature in individuals with COL5A2-related disease.

Literature cited by the submitters: PubMed 16199547 (cited by Labcorp Genetics (formerly Invitae), Labcorp); PubMed 23587214 (cited by Labcorp Genetics (formerly Invitae), Labcorp).